The following is an entry in ClinVar:

ClinVar aggregate classification (germline): Uncertain significance (1 of 4 stars; one submission).

Conditions:
Von Hippel-Lindau syndrome (VHLS). Also called: Von Hippel-Lindau; von Hippel–Lindau syndrome; VHL syndrome. Identifiers: Orphanet 892, MedGen C0019562, MONDO:0008667, OMIM 193300. Disease mechanism: loss of function.

gnomAD v4.1: 6 of 1,589,792 alleles (0.00038%); highest among the groups gnomAD compares: South Asian, 0.0068%; no homozygotes.

Submission:

All of Us Research Program, National Institutes of Health
Classification: Uncertain significance for Von Hippel-Lindau syndrome. Last evaluated: 2024-01-11. Review status: criteria provided, single submitter. Criteria: ACMG Guidelines, 2015. Collection method: clinical testing. Allele origin: germline. Inheritance: Autosomal dominant inheritance. Observed: 1 variant allele, 1 heterozygote.
Comment: This study involves interpretation of variants in research participants for the purpose of population health screening. Participant phenotype was not available at the time of variant classification. Additional details can be found in publication PMID: 35346344, PMCID: PMC8962531

NM_000551.4(VHL):c.167C>A (p.Ala56Asp)

Gene: VHL (von Hippel-Lindau tumor suppressor; plus strand). Cytogenetic location: 3p25.3.
Variant type: single nucleotide variant.
Coding change: c.167C>A on transcript NM_000551.4 (MANE Select); coding-DNA position 167, C replaced by A.
Protein change: p.Ala56Asp; replaces alanine 56 with aspartic acid.
Molecular consequence: missense variant. On other transcripts: non-coding transcript variant (1).
Genome position (GRCh38, 1-based): chr3:10,142,014, C>A. VCF-style: chr3-10142014-C-A. GRCh37 (hg19) VCF-style: chr3-10183698-C-A.
Other names: c.167C>A, p.Ala56Asp (NM_001354723.2, NM_198156.3); short protein forms A56D.
Identifiers: ClinVar variation 3074847 (VCV003074847.1), dbSNP rs752980085, ClinGen allele CA039553.